The following is an entry in ClinVar:

ClinVar aggregate classification (germline): Uncertain significance (1 of 4 stars; one submission).

gnomAD v4.1: 2 of 1,610,880 alleles (0.00012%); highest among the groups gnomAD compares: Non-Finnish European, 0.000085%; no homozygotes.

Submission:

Labcorp Genetics (formerly Invitae), Labcorp
Classification: Uncertain significance. Last evaluated: 2025-05-05. Review status: criteria provided, single submitter. Criteria: Invitae Variant Classification Sherloc (09022015). Collection method: clinical testing. Allele origin: germline.
Comment: This sequence change replaces alanine, which is neutral and non-polar, with serine, which is neutral and polar, at codon 1081 of the ERBB2 protein (p.Ala1081Ser). This variant is not present in population databases (gnomAD no frequency). This variant has not been reported in the literature in individuals affected with ERBB2-related conditions. ClinVar contains an entry for this variant (Variation ID: 2870367). An algorithm developed to predict the effect of missense changes on protein structure and function (PolyPhen-2) suggests that this variant is likely to be tolerated. In summary, the available evidence is currently insufficient to determine the role of this variant in disease. Therefore, it has been classified as a Variant of Uncertain Significance.

NM_004448.4(ERBB2):c.3241G>T (p.Ala1081Ser)

Gene: ERBB2 (erb-b2 receptor tyrosine kinase 2; plus strand). Cytogenetic location: 17q12.
Variant type: single nucleotide variant.
Coding change: c.3241G>T on transcript NM_004448.4 (MANE Select); coding-DNA position 3241, G replaced by T.
Protein change: p.Ala1081Ser; replaces alanine 1081 with serine.
Molecular consequence: missense variant. On other transcripts: non-coding transcript variant (1), intron variant (2).
Genome position (GRCh38, 1-based): chr17:39,727,376, G>T. VCF-style: chr17-39727376-G-T. GRCh37 (hg19) VCF-style: chr17-37883629-G-T.
Other names: c.3151G>T, p.Ala1051Ser (NM_001005862.3, NM_001382782.1, NM_001382783.1); c.3196G>T, p.Ala1066Ser (NM_001289936.2); c.3199G>T, p.Ala1067Ser (NM_001382793.1, NM_001382794.1); c.3193G>T, p.Ala1065Ser (NM_001382795.1); c.3154G>T, p.Ala1052Ser (NM_001382796.1); c.3142G>T, p.Ala1048Ser (NM_001382797.1); c.3085G>T, p.Ala1029Ser (NM_001382798.1); c.3061G>T, p.Ala1021Ser (NM_001382799.1); and 17 more; short protein forms A1066S, A1078S, A1120S, A995S, A1013S, A1051S, A1069S, A1091S.
Identifiers: ClinVar variation 2870367 (VCV002870367.3), dbSNP rs772604432, ClinGen allele CA399310465.